The following is an entry in ClinVar:

NM_000138.5(FBN1):c.7040T>C (p.Met2347Thr)

Gene: FBN1 (fibrillin 1; minus strand). Cytogenetic location: 15q21.1.
Variant type: single nucleotide variant.
Coding change: c.7040T>C on transcript NM_000138.5 (MANE Select); coding-DNA position 7040, T replaced by C.
Protein change: p.Met2347Thr; replaces methionine 2347 with threonine.
Molecular consequence: missense variant.
Genome position (GRCh38, 1-based): chr15:48,427,731, A>G on the plus strand (T>C on the coding strand, the complement: FBN1 is on the minus strand). VCF-style: chr15-48427731-A-G. GRCh37 (hg19) VCF-style: chr15-48719928-A-G.
Other names: short protein forms M2347T.
Identifiers: ClinVar variation 1332302 (VCV001332302.4), dbSNP rs1270326945, ClinGen allele CA392330275.

ClinVar aggregate classification (germline): Uncertain significance. Review status: criteria provided, multiple submitters, no conflicts (2 of 4 stars). 2 submissions from 2 submitters: Uncertain significance (2). Last evaluated 2026-09-06.

Conditions:
Familial thoracic aortic aneurysm and aortic dissection (TAAD). Also called: Thoracic aortic aneurysms and dissections. Identifiers: Orphanet 91387, MedGen C4707243, MONDO:0019625.

Allele frequency attached by ClinVar (database versions not stated): gnomAD 0.00001; TOPMed 0.00001.
gnomAD v4.1: 1 of 1,613,934 alleles (0.000062%); highest among the groups gnomAD compares: African/African-American, 0.0013%; no homozygotes.

Submissions (2):

Ambry Genetics
Classification: Uncertain significance for Familial thoracic aortic aneurysm and aortic dissection. Last evaluated: 2026-09-06. Review status: criteria provided, single submitter. Criteria: Ambry Variant Classification Scheme 2023. Collection method: clinical testing. Allele origin: germline.
Comment: The p.M2347T variant (also known as c.7040T>C), located in coding exon 57 of the FBN1 gene, results from a T to C substitution at nucleotide position 7040. The methionine at codon 2347 is replaced by threonine, an amino acid with similar properties. This amino acid position is conserved. In addition, the in silico prediction for this alteration is inconclusive. Based on the available evidence, the clinical significance of this variant remains unclear.

Color Diagnostics, LLC DBA Color Health
Classification: Uncertain significance for Familial thoracic aortic aneurysm and aortic dissection. Last evaluated: 2024-03-06. Review status: criteria provided, single submitter. Criteria: ACMG Guidelines, 2015. Collection method: clinical testing. Allele origin: germline.
Comment: This missense variant replaces methionine with threonine at codon 2347 of the FBN1 protein. Computational prediction is inconclusive regarding the impact of this variant on protein structure and function (internally defined REVEL score threshold 0.5 < inconclusive < 0.7, PMID: 27666373). To our knowledge, functional studies have not been reported for this variant. This variant has not been reported in individuals affected with cardiovascular disorders in the literature. This variant has not been identified in the general population by the Genome Aggregation Database (gnomAD). The available evidence is insufficient to determine the role of this variant in disease conclusively. Therefore, this variant is classified as a Variant of Uncertain Significance.